The following is an entry in ClinVar:

NM_000531.6(OTC):c.1034A>T (p.Tyr345Phe)

Gene: OTC (ornithine transcarbamylase; plus strand). Cytogenetic location: Xp11.4.
Variant type: single nucleotide variant.
Coding change: c.1034A>T on transcript NM_000531.6 (MANE Select); coding-DNA position 1034, A replaced by T.
Protein change: p.Tyr345Phe; replaces tyrosine 345 with phenylalanine.
Molecular consequence: missense variant.
Genome position (GRCh38, 1-based): chrX:38,421,051, A>T. VCF-style: chrX-38421051-A-T. GRCh37 (hg19) VCF-style: chrX-38280304-A-T.
Other names: c.1034A>T, p.Tyr345Phe (NM_001407092.1); short protein forms Y345F.
Identifiers: ClinVar variation 2110985 (VCV002110985.4), dbSNP rs72558492, ClinGen allele CA412728060.

ClinVar aggregate classification (germline): Likely pathogenic (1 of 4 stars; one submission).

Conditions:
Ornithine carbamoyltransferase deficiency (OTCD). Also called: ORNITHINE TRANSCARBAMYLASE DEFICIENCY; ORNITHINE TRANSCARBAMYLASE DEFICIENCY, HYPERAMMONEMIA DUE TO; OTC DEFICIENCY; Ornithine Carbamoyltransferase Deficiency Disease. Identifiers: Orphanet 664, MedGen C0268542, MONDO:0010703, OMIM 311250.

Submission:

Labcorp Genetics (formerly Invitae), Labcorp
Classification: Likely pathogenic for Ornithine carbamoyltransferase deficiency. Last evaluated: 2022-03-13. Review status: criteria provided, single submitter. Criteria: Invitae Variant Classification Sherloc (09022015). Collection method: clinical testing. Allele origin: germline.
Comment: In summary, the currently available evidence indicates that the variant is pathogenic, but additional data are needed to prove that conclusively. Therefore, this variant has been classified as Likely Pathogenic. This variant disrupts the p.Tyr345 amino acid residue in OTC. Other variant(s) that disrupt this residue have been observed in individuals with OTC-related conditions (PMID: 1480464, 10946359), which suggests that this may be a clinically significant amino acid residue. Advanced modeling of protein sequence and biophysical properties (such as structural, functional, and spatial information, amino acid conservation, physicochemical variation, residue mobility, and thermodynamic stability) performed at Invitae indicates that this missense variant is expected to disrupt OTC protein function. This variant has not been reported in the literature in individuals affected with OTC-related conditions. This variant is not present in population databases (gnomAD no frequency). This sequence change replaces tyrosine, which is neutral and polar, with phenylalanine, which is neutral and non-polar, at codon 345 of the OTC protein (p.Tyr345Phe).

Literature cited by the submitters: PubMed 1480464; PubMed 10946359.